The following is an entry in ClinVar:

NM_145331.3(MAP3K7):c.776T>C (p.Ile259Thr)

Gene: MAP3K7 (mitogen-activated protein kinase kinase kinase 7; minus strand). Cytogenetic location: 6q15.
Variant type: single nucleotide variant.
Coding change: c.776T>C on transcript NM_145331.3 (MANE Select); coding-DNA position 776, T replaced by C.
Protein change: p.Ile259Thr; replaces isoleucine 259 with threonine.
Molecular consequence: missense variant.
Genome position (GRCh38, 1-based): chr6:90,552,140, A>G on the plus strand (T>C on the coding strand, the complement: MAP3K7 is on the minus strand). VCF-style: chr6-90552140-A-G. GRCh37 (hg19) VCF-style: chr6-91261859-A-G.
Other names: c.776T>C, p.Ile259Thr (NM_003188.4, NM_145332.3, NM_145333.3); short protein forms I259T.
Identifiers: ClinVar variation 1447847 (VCV001447847.8), dbSNP rs2127974476, ClinGen allele CA365011910.
Genomic context (GRCh38, chr6:90,552,140, plus strand): 5'-TCCTCCATTGAAGGGCGCTGGGAAGGATCTTTAGACCAACAACGAGTCATCAGGCTCTCA[A>G]TGGGCTTAGGTAAATTTTTTATCAGTGGTGGTCGAGTACCTACAATTGAAAATGAGAGGA-3'
Protein context (NP_663304.1, residues 249-269): PPLIKNLPKP[Ile259Thr]ESLMTRCWSK

ClinVar aggregate classification (germline): Uncertain significance (1 of 4 stars; one submission).

Submission:

Labcorp Genetics (formerly Invitae), Labcorp
Classification: Uncertain significance. Last evaluated: 2022-09-23. Review status: criteria provided, single submitter. Criteria: Invitae Variant Classification Sherloc (09022015). Collection method: clinical testing. Allele origin: germline.
Comment: ClinVar contains an entry for this variant (Variation ID: 1447847). Algorithms developed to predict the effect of missense changes on protein structure and function (SIFT, PolyPhen-2, Align-GVGD) all suggest that this variant is likely to be disruptive. In summary, the available evidence is currently insufficient to determine the role of this variant in disease. Therefore, it has been classified as a Variant of Uncertain Significance. This variant has not been reported in the literature in individuals affected with MAP3K7-related conditions. This sequence change replaces isoleucine, which is neutral and non-polar, with threonine, which is neutral and polar, at codon 259 of the MAP3K7 protein (p.Ile259Thr). This variant is not present in population databases (gnomAD no frequency).